The following is an entry in ClinVar:

NM_002294.3(LAMP2):c.-7C>T

Gene: LAMP2 (lysosomal associated membrane protein 2; minus strand). Cytogenetic location: Xq24.
Variant type: single nucleotide variant.
Coding change: c.-7C>T on transcript NM_002294.3 (MANE Select); 7 bases upstream of the start codon, C replaced by T.
Molecular consequence: 5 prime UTR variant.
Genome position (GRCh38, 1-based): chrX:120,469,176, G>A on the plus strand (C>T on the coding strand, the complement: LAMP2 is on the minus strand). VCF-style: chrX-120469176-G-A. GRCh37 (hg19) VCF-style: chrX-119603031-G-A.
Other names: c.-7C>T (NM_001122606.1, NM_013995.2).
Identifiers: ClinVar variation 632873 (VCV000632873.5), dbSNP rs762305947, ClinGen allele CA10505378.

ClinVar aggregate classification (germline): Conflicting classifications of pathogenicity. Review status: criteria provided, conflicting classifications (1 of 4 stars). 3 submissions from 3 submitters: Uncertain significance (1); Benign (1). 1 of the submissions does not count toward it. Last evaluated 2018-01-22.

Conditions:
LAMP2-related disorder. Also called: LAMP2-related condition.

Allele frequency attached by ClinVar (database versions not stated): ExAC 0.00001; gnomAD exomes 0.00001 and 0.00008; TOPMed 0.00003; gnomAD 0.00004 and 0.00005.
gnomAD v4.1: 93 of 1,210,034 alleles (0.0077%); highest among the groups gnomAD compares: Non-Finnish European, 0.0099%; no homozygotes.

Submissions (3):

Women's Health and Genetics/Laboratory Corporation of America, LabCorp
Classification: Uncertain significance. Last evaluated: 2018-01-22. Review status: criteria provided, single submitter. Criteria: LabCorp Variant Classification Summary - May 2015. Collection method: clinical testing. Allele origin: germline.
Comment: Variant summary: The LAMP2 c.-7C>T variant located in the 5' UTR involves the alteration of a non-conserved nucleotide. This variant was found in 2/177283 control chromosomes (gnomAD) at a frequency of 0.0000113, which does not exceed the estimated maximal expected allele frequency of a pathogenic LAMP2 variant (0.0000125). The variant of interest has not, to our knowledge, been reported in affected individuals via publications and/or reputable databases/clinical diagnostic laboratories; nor evaluated for functional impact by in vivo/vitro studies. Because of the absence of clinical information and the lack of functional studies, the variant is classified as a "Variant of Uncertain Significance (VUS)," until additional information becomes available.

GeneDx
Classification: Benign. Last evaluated: 2015-07-07. Review status: criteria provided, single submitter. Criteria: GeneDx Variant Classification Process June 2021. Collection method: clinical testing. Allele origin: germline. Affected: yes.

PreventionGenetics, part of Exact Sciences
Classification: Likely benign for LAMP2-related condition. Last evaluated: 2020-10-11. Review status: no assertion criteria provided. Collection method: clinical testing. Allele origin: germline. Not counted in ClinVar's aggregate classification.
Comment: This variant is classified as likely benign based on ACMG/AMP sequence variant interpretation guidelines (Richards et al. 2015 PMID: 25741868, with internal and published modifications).